The following is an entry in ClinVar:

NM_014000.3(VCL):c.2044T>G (p.Leu682Val)

Gene: VCL (vinculin; plus strand). Cytogenetic location: 10q22.2.
Variant type: single nucleotide variant.
Coding change: c.2044T>G on transcript NM_014000.3 (MANE Select); coding-DNA position 2044, T replaced by G.
Protein change: p.Leu682Val; replaces leucine 682 with valine.
Molecular consequence: missense variant.
Genome position (GRCh38, 1-based): chr10:74,103,841, T>G. VCF-style: chr10-74103841-T-G. GRCh37 (hg19) VCF-style: chr10-75863599-T-G.
Other names: c.2044T>G, p.Leu682Val (NM_003373.4); short protein forms L682V.
Identifiers: ClinVar variation 2100904 (VCV002100904.4), dbSNP rs2549231533, ClinGen allele CA377261135.

ClinVar aggregate classification (germline): Uncertain significance (1 of 4 stars; one submission).

Conditions:
Dilated cardiomyopathy 1W (CMD1W). Identifiers: Orphanet 154, MedGen C1969639, MONDO:0012667, OMIM 611407.

Allele frequency attached by ClinVar (database versions not stated): gnomAD exomes below 0.00001.
gnomAD v4.1: 2 of 1,614,162 alleles (0.00012%); highest among the groups gnomAD compares: Non-Finnish European, 0.00017%; no homozygotes.

Submission:

Labcorp Genetics (formerly Invitae), Labcorp
Classification: Uncertain significance for Dilated cardiomyopathy 1W. Last evaluated: 2022-02-21. Review status: criteria provided, single submitter. Criteria: Invitae Variant Classification Sherloc (09022015). Collection method: clinical testing. Allele origin: germline.
Comment: In summary, the available evidence is currently insufficient to determine the role of this variant in disease. Therefore, it has been classified as a Variant of Uncertain Significance. Algorithms developed to predict the effect of missense changes on protein structure and function are either unavailable or do not agree on the potential impact of this missense change (SIFT: "Not Available"; PolyPhen-2: "Probably Damaging"; Align-GVGD: "Not Available"). This variant has not been reported in the literature in individuals affected with VCL-related conditions. This variant is not present in population databases (gnomAD no frequency). This sequence change replaces leucine, which is neutral and non-polar, with valine, which is neutral and non-polar, at codon 682 of the VCL protein (p.Leu682Val).